The following is an entry in ClinVar:

NM_001278512.2(AP3B2):c.603T>G (p.Ser201Arg)

Genes: AP3B2 (adaptor related protein complex 3 subunit beta 2; minus strand), CPEB1-AS1 (CPEB1 antisense RNA 1; plus strand). Cytogenetic location: 15q25.2.
Variant type: single nucleotide variant.
Coding change: c.603T>G on transcript NM_001278512.2 (MANE Select); coding-DNA position 603, T replaced by G.
Protein change: p.Ser201Arg; replaces serine 201 with arginine.
Molecular consequence: missense variant.
Genome position (GRCh38, 1-based): chr15:82,681,005, A>C on the plus strand (T>G on the coding strand, the complement: AP3B2 is on the minus strand). VCF-style: chr15-82681005-A-C. GRCh37 (hg19) VCF-style: chr15-83349757-A-C.
Other names: c.507T>G, p.Ser169Arg (NM_001278511.2); c.603T>G, p.Ser201Arg (NM_004644.5); short protein forms S201R, S169R.
Identifiers: ClinVar variation 2122230 (VCV002122230.4), dbSNP rs2548711981, ClinGen allele CA393296138.

ClinVar aggregate classification (germline): Uncertain significance (1 of 4 stars; one submission).

Submission:

Labcorp Genetics (formerly Invitae), Labcorp
Classification: Uncertain significance. Last evaluated: 2023-04-14. Review status: criteria provided, single submitter. Criteria: Invitae Variant Classification Sherloc (09022015). Collection method: clinical testing. Allele origin: germline.
Comment: In summary, the available evidence is currently insufficient to determine the role of this variant in disease. Therefore, it has been classified as a Variant of Uncertain Significance. An algorithm developed to predict the effect of missense changes on protein structure and function (PolyPhen-2) suggests that this variant is likely to be disruptive. ClinVar contains an entry for this variant (Variation ID: 2122230). This variant has not been reported in the literature in individuals affected with AP3B2-related conditions. This variant is not present in population databases (gnomAD no frequency). This sequence change replaces serine, which is neutral and polar, with arginine, which is basic and polar, at codon 201 of the AP3B2 protein (p.Ser201Arg).